The following is an entry in ClinVar:

ClinVar aggregate classification (germline): Uncertain significance. Review status: criteria provided, multiple submitters, no conflicts (2 of 4 stars). 2 submissions from 2 submitters: Uncertain significance (2). Last evaluated 2025-12-22.

Conditions:
Fanconi anemia (FA). Also called: Fanconi's anemia. Identifiers: Orphanet 84, MedGen C0015625, MeSH D005199, MONDO:0019391.
Inborn genetic diseases. Identifiers: MedGen C0950123, MeSH D030342.

Allele frequency attached by ClinVar (database versions not stated): gnomAD exomes below 0.00001; ExAC 0.00001.

Submissions (2):

Ambry Genetics
Classification: Uncertain significance for Inborn genetic diseases. Last evaluated: 2025-12-22. Review status: criteria provided, single submitter. Criteria: Ambry Variant Classification Scheme 2023. Collection method: clinical testing. Allele origin: germline.
Comment: The p.W181C variant (also known as c.543G>T), located in coding exon 2 of the FANCM gene, results from a G to T substitution at nucleotide position 543. The tryptophan at codon 181 is replaced by cysteine, an amino acid with highly dissimilar properties. This amino acid position is conserved. In addition, the in silico prediction for this alteration is inconclusive. Based on the available evidence, the clinical significance of this variant remains unclear.

Labcorp Genetics (formerly Invitae), Labcorp
Classification: Uncertain significance for Fanconi anemia. Last evaluated: 2019-04-18. Review status: criteria provided, single submitter. Criteria: Invitae Variant Classification Sherloc (09022015). Collection method: clinical testing. Allele origin: germline.
Comment: This sequence change replaces tryptophan with cysteine at codon 181 of the FANCM protein (p.Trp181Cys). The tryptophan residue is highly conserved and there is a large physicochemical difference between tryptophan and cysteine. This variant is present in population databases (rs749507878, ExAC 0.001%). This variant has not been reported in the literature in individuals with FANCM-related conditions. Algorithms developed to predict the effect of missense changes on protein structure and function are either unavailable or do not agree on the potential impact of this missense change (SIFT: "Deleterious"; PolyPhen-2: "Probably Damaging"; Align-GVGD: "Class C0"). In summary, the available evidence is currently insufficient to determine the role of this variant in disease. Therefore, it has been classified as a Variant of Uncertain Significance.

NM_020937.4(FANCM):c.543G>T (p.Trp181Cys)

Gene: FANCM (FA complementation group M; plus strand). Cytogenetic location: 14q21.2.
Variant type: single nucleotide variant.
Coding change: c.543G>T on transcript NM_020937.4 (MANE Select); coding-DNA position 543, G replaced by T.
Protein change: p.Trp181Cys; replaces tryptophan 181 with cysteine.
Molecular consequence: missense variant.
Genome position (GRCh38, 1-based): chr14:45,137,103, G>T. VCF-style: chr14-45137103-G-T. GRCh37 (hg19) VCF-style: chr14-45606306-G-T.
Other names: c.543G>T, p.Trp181Cys (NM_001308133.2, NM_001308134.2); short protein forms W181C.
Identifiers: ClinVar variation 950270 (VCV000950270.10), dbSNP rs749507878, ClinGen allele CA7168799.